The following is an entry in ClinVar:

NM_001283009.2(RTEL1):c.3868A>C (p.Ser1290Arg)

Genes: RTEL1 (regulator of telomere elongation helicase 1; plus strand), RTEL1-TNFRSF6B (RTEL1-TNFRSF6B readthrough (NMD candidate); plus strand). Cytogenetic location: 20q13.33.
Variant type: single nucleotide variant.
Coding change: c.3868A>C on transcript NM_001283009.2 (MANE Select); coding-DNA position 3868, A replaced by C.
Protein change: p.Ser1290Arg; replaces serine 1290 with arginine.
Molecular consequence: missense variant. On other transcripts: non-coding transcript variant (1), 3 prime UTR variant (3).
Genome position (GRCh38, 1-based): chr20:63,695,823, A>C. VCF-style: chr20-63695823-A-C. GRCh37 (hg19) VCF-style: chr20-62327176-A-C.
Other names: c.*38A>C (NM_001283010.1, NM_016434.4, NM_032957.5); short protein forms S1290R.
Identifiers: ClinVar variation 4629630 (VCV004629630.1).

ClinVar aggregate classification (germline): Uncertain significance (1 of 4 stars; one submission).

Conditions:
Inborn genetic diseases. Identifiers: MedGen C0950123, MeSH D030342.

Submission:

Ambry Genetics
Classification: Uncertain significance for Inborn genetic diseases. Last evaluated: 2025-11-29. Review status: criteria provided, single submitter. Criteria: Ambry Variant Classification Scheme 2023. Collection method: clinical testing. Allele origin: germline.
Comment: The p.S1290R variant (also known as c.3868A>C), located in coding exon 34 of the RTEL1 gene, results from an A to C substitution at nucleotide position 3868. The serine at codon 1290 is replaced by arginine, an amino acid with dissimilar properties. This amino acid position is conserved. In addition, the in silico prediction for this alteration is inconclusive. Based on the available evidence, the clinical significance of this variant remains unclear.